The following is an entry in ClinVar:

NM_000135.4(FANCA):c.3818dup (p.Thr1274fs)

Genes: FANCA (FA complementation group A; minus strand), ZNF276 (zinc finger protein 276; plus strand). Cytogenetic location: 16q24.3.
Variant type: Duplication.
Coding change: c.3818dup on transcript NM_000135.4 (MANE Select); coding-DNA position 3818, one base duplicated (T; older notation c.3818dupT).
Protein change: p.Thr1274fs; shifts the reading frame from threonine 1274.
Molecular consequence: frameshift variant. On other transcripts: 3 prime UTR variant (2), non-coding transcript variant (4).
Genome position (GRCh38, 1-based): chr16:89,740,814, A duplicated on the plus strand (T on the coding strand, the reverse complement: FANCA is on the minus strand). VCF-style (leftmost placement, unchanged base first): chr16-89740813-C-CA. GRCh37 (hg19) VCF-style: chr16-89807221-C-CA.
Other names: c.3818dup, p.Thr1274fs (NM_001286167.3); c.*2568dup (NM_001113525.2, NM_152287.4); short protein forms T1274fs.
Identifiers: ClinVar variation 2112718 (VCV002112718.4), dbSNP rs2544094927, ClinGen allele CA2580092326.

ClinVar aggregate classification (germline): Pathogenic (1 of 4 stars; one submission).

Conditions:
Fanconi anemia (FA). Also called: Fanconi's anemia. Identifiers: Orphanet 84, MedGen C0015625, MeSH D005199, MONDO:0019391.

Submission:

Labcorp Genetics (formerly Invitae), Labcorp
Classification: Pathogenic for Fanconi anemia. Last evaluated: 2022-03-15. Review status: criteria provided, single submitter. Criteria: Invitae Variant Classification Sherloc (09022015). Collection method: clinical testing. Allele origin: germline.
Comment: This sequence change creates a premature translational stop signal (p.Thr1274Aspfs*4) in the FANCA gene. It is expected to result in an absent or disrupted protein product. Loss-of-function variants in FANCA are known to be pathogenic (PMID: 19367192). This variant is not present in population databases (gnomAD no frequency). This variant has not been reported in the literature in individuals affected with FANCA-related conditions. For these reasons, this variant has been classified as Pathogenic.

Literature cited by the submitters: PubMed 19367192.